The following is an entry in ClinVar:

NM_003361.4(UMOD):c.859T>G (p.Cys287Gly)

Gene: UMOD (uromodulin; minus strand). Cytogenetic location: 16p12.3.
Variant type: single nucleotide variant.
Coding change: c.859T>G on transcript NM_003361.4 (MANE Select); coding-DNA position 859, T replaced by G.
Protein change: p.Cys287Gly; replaces cysteine 287 with glycine.
Molecular consequence: missense variant. On other transcripts: non-coding transcript variant (1).
Genome position (GRCh38, 1-based): chr16:20,348,442, A>C on the plus strand (T>G on the coding strand, the complement: UMOD is on the minus strand). VCF-style: chr16-20348442-A-C. GRCh37 (hg19) VCF-style: chr16-20359764-A-C.
Other names: c.859T>G, p.Cys287Gly (NM_001008389.3, NM_001378232.1, NM_001378233.1 and 3 more transcripts); c.958T>G, p.Cys320Gly (NM_001278614.2); short protein forms C287G, C320G.
Identifiers: ClinVar variation 4849202 (VCV004849202.1).
Genomic context (GRCh38, chr16:20,348,442, plus strand): 5'-TCTGCAGTGCCTTTCCAGGCCTGGGATGAGGACTGTGGGGAGACTCCGGCTGACCTGTGC[A>C]GTACGCCAGGTGACACTCGGGGGGCGCTGTCAGGTTGTAGACGTAGTAGCCGCCGGCACA-3'
Protein context (NP_003352.2, residues 277-297): TAPPECHLAY[Cys287Gly]TDPSSVEGTC

ClinVar aggregate classification (germline): Likely pathogenic (1 of 4 stars; one submission).

Conditions:
Familial juvenile hyperuricemic nephropathy type 1 (ADTKD1). Also called: Autosomal Dominant Tubulointerstitial Kidney Disease – UMOD; Glomerulocystic kidney disease with hyperuricemia and isosthenuria; Medullary cystic kidney disease 2; UMOD-Associated Kidney Disease; Uromodulin-associated kidney disease. Identifiers: Orphanet 209886, Orphanet 34149, Orphanet 88950, MedGen C4551496, MONDO:0008073, OMIM 162000.

Submission:

MVZ Medizinische Genetik Mainz
Classification: Likely pathogenic for Familial juvenile hyperuricemic nephropathy type 1. Last evaluated: 2026-04-13. Review status: criteria provided, single submitter. Criteria: UK Practice Guidelines For Variant Classification V4 01 2020. Collection method: clinical testing. Allele origin: germline. Inheritance: Autosomal dominant inheritance. Affected: yes. Observed: 1 variant allele.
Comment: ACMG Criteria: PP3_STR,PM5,PM1_SUP,PM2_SUP